The following is an entry in ClinVar:

NM_006361.6(HOXB13):c.646G>T (p.Gly216Cys)

Gene: HOXB13 (homeobox B13; minus strand). Cytogenetic location: 17q21.32.
Variant type: single nucleotide variant.
Coding change: c.646G>T on transcript NM_006361.6 (MANE Select); coding-DNA position 646, G replaced by T.
Protein change: p.Gly216Cys; replaces glycine 216 with cysteine.
Molecular consequence: missense variant.
Genome position (GRCh38, 1-based): chr17:48,726,999, C>A on the plus strand (G>T on the coding strand, the complement: HOXB13 is on the minus strand). VCF-style: chr17-48726999-C-A. GRCh37 (hg19) VCF-style: chr17-46804361-C-A.
Other names: c.646G>T (NM_006361.5); short protein forms G216C.
Identifiers: ClinVar variation 1047153 (VCV001047153.8), dbSNP rs375917549, ClinGen allele CA8633934.

ClinVar aggregate classification (germline): Uncertain significance. Review status: criteria provided, multiple submitters, no conflicts (2 of 4 stars). 3 submissions from 3 submitters: Uncertain significance (3). Last evaluated 2026-01-14.

Conditions:
Hereditary cancer-predisposing syndrome. Also called: Hereditary Cancer Syndrome; Tumor predisposition; Hereditary neoplastic syndrome; Neoplastic Syndromes, Hereditary. Identifiers: Orphanet 140162, MedGen C0027672, MeSH D009386, MONDO:0015356.
Prostate cancer, hereditary, 9 (HPC9). Identifiers: Orphanet 1331, MedGen C1970250, MONDO:0012597, OMIM 610997.

Allele frequency attached by ClinVar (database versions not stated): gnomAD exomes below 0.00001; ExAC 0.00001; TOPMed 0.00002; ESP Exome Variant Server 0.00008.
gnomAD v4.1: 22 of 1,611,460 alleles (0.0014%); highest among the groups gnomAD compares: Non-Finnish European, 0.0019%; no homozygotes.

Submissions (3):

Labcorp Genetics (formerly Invitae), Labcorp
Classification: Uncertain significance. Last evaluated: 2026-01-14. Review status: criteria provided, single submitter. Criteria: Invitae Variant Classification Sherloc (09022015). Collection method: clinical testing. Allele origin: germline.
Comment: This sequence change replaces glycine, which is neutral and non-polar, with cysteine, which is neutral and slightly polar, at codon 216 of the HOXB13 protein (p.Gly216Cys). This variant is present in population databases (rs375917549, gnomAD 0.007%). This missense change has been observed in individual(s) with prostate cancer (PMID: 22236224). ClinVar contains an entry for this variant (Variation ID: 1047153). Invitae Evidence Modeling of protein sequence and biophysical properties (such as structural, functional, and spatial information, amino acid conservation, physicochemical variation, residue mobility, and thermodynamic stability) has been performed for this missense variant. However, the output from this modeling did not meet the statistical confidence thresholds required to predict the impact of this variant on HOXB13 protein function. In summary, the available evidence is currently insufficient to determine the role of this variant in disease. Therefore, it has been classified as a Variant of Uncertain Significance.

Ambry Genetics
Classification: Uncertain significance for Hereditary cancer-predisposing syndrome. Last evaluated: 2025-09-30. Review status: criteria provided, single submitter. Criteria: Ambry Variant Classification Scheme 2023. Collection method: clinical testing. Allele origin: germline.
Comment: The p.G216C variant (also known as c.646G>T), located in coding exon 2 of the HOXB13 gene, results from a G to T substitution at nucleotide position 646. The glycine at codon 216 is replaced by cysteine, an amino acid with highly dissimilar properties. This amino acid position is highly conserved in available vertebrate species. In addition, this alteration is predicted to be deleterious by in silico analysis. Based on the available evidence, the clinical significance of this variant remains unclear.

Molecular Pathology, Peter Maccallum Cancer Centre
Classification: Uncertain significance for Prostate cancer, hereditary, 9. Last evaluated: 2025-03-28. Review status: criteria provided, single submitter. Criteria: ACMG Guidelines, 2015. Collection method: clinical testing. Allele origin: germline. Inheritance: Autosomal dominant inheritance.

Literature cited by the submitters: PubMed 22236224 (cited by Labcorp Genetics (formerly Invitae), Labcorp).